The following is an entry in ClinVar:

NM_004562.3(PRKN):c.1010G>A (p.Cys337Tyr)

Gene: PRKN (parkin RBR E3 ubiquitin protein ligase; minus strand). Cytogenetic location: 6q26.
Variant type: single nucleotide variant.
Coding change: c.1010G>A on transcript NM_004562.3 (MANE Select); coding-DNA position 1010, G replaced by A.
Protein change: p.Cys337Tyr; replaces cysteine 337 with tyrosine.
Molecular consequence: missense variant.
Genome position (GRCh38, 1-based): chr6:161,548,927, C>T on the plus strand (G>A on the coding strand, the complement: PRKN is on the minus strand). VCF-style: chr6-161548927-C-T. GRCh37 (hg19) VCF-style: chr6-161969959-C-T.
Other names: c.926G>A, p.Cys309Tyr (NM_013987.3); c.563G>A, p.Cys188Tyr (NM_013988.3); short protein forms C309Y, C188Y, C337Y.
Identifiers: ClinVar variation 3703904 (VCV003703904.2).

ClinVar aggregate classification (germline): Uncertain significance (1 of 4 stars; one submission).

gnomAD v4.1: 1 of 1,614,036 alleles (0.000062%); highest among the groups gnomAD compares: East Asian, 0.0022%; no homozygotes.

Submission:

Labcorp Genetics (formerly Invitae), Labcorp
Classification: Uncertain significance. Last evaluated: 2024-10-16. Review status: criteria provided, single submitter. Criteria: Invitae Variant Classification Sherloc (09022015). Collection method: clinical testing. Allele origin: germline.
Comment: This sequence change replaces cysteine, which is neutral and slightly polar, with tyrosine, which is neutral and polar, at codon 337 of the PRKN protein (p.Cys337Tyr). This variant is present in population databases (rs756996581, gnomAD 0.0009%). This missense change has been observed in individuals with Parkinson disease (PMID: 37198191; internal data). Invitae Evidence Modeling of protein sequence and biophysical properties (such as structural, functional, and spatial information, amino acid conservation, physicochemical variation, residue mobility, and thermodynamic stability) indicates that this missense variant is expected to disrupt PRKN protein function with a positive predictive value of 80%. In summary, the available evidence is currently insufficient to determine the role of this variant in disease. Therefore, it has been classified as a Variant of Uncertain Significance.

Literature cited by the submitters: PubMed 37198191.